The following is an entry in ClinVar:

NM_133510.4(RAD51B):c.332G>C (p.Gly111Ala)

Gene: RAD51B (RAD51 paralog B; plus strand). Cytogenetic location: 14q24.1.
Variant type: single nucleotide variant.
Coding change: c.332G>C on transcript NM_133510.4 (MANE Select); coding-DNA position 332, G replaced by C.
Protein change: p.Gly111Ala; replaces glycine 111 with alanine.
Molecular consequence: missense variant. On other transcripts: 5 prime UTR variant (1).
Genome position (GRCh38, 1-based): chr14:67,865,019, G>C. VCF-style: chr14-67865019-G-C. GRCh37 (hg19) VCF-style: chr14-68331736-G-C.
Other names: c.332G>C, p.Gly111Ala (NM_001321809.2, NM_001321810.2, NM_001321812.1 and 6 more transcripts); c.218G>C, p.Gly73Ala (NM_001321815.1); c.-26G>C (NM_001321817.2); short protein forms G111A, G73A.
Identifiers: ClinVar variation 3786449 (VCV003786449.1).

ClinVar aggregate classification (germline): Uncertain significance (1 of 4 stars; one submission).

Submission:

Ambry Genetics
Classification: Uncertain significance. Last evaluated: 2025-02-03. Review status: criteria provided, single submitter. Criteria: Ambry Variant Classification Scheme 2023. Collection method: clinical testing. Allele origin: germline.
Comment: The p.G111A variant (also known as c.332G>C), located in coding exon 4 of the RAD51B gene, results from a G to C substitution at nucleotide position 332. The glycine at codon 111 is replaced by alanine, an amino acid with similar properties. This amino acid position is conserved. In addition, this alteration is predicted to be deleterious by in silico analysis. Based on the available evidence, the clinical significance of this variant remains unclear.